The following is an entry in ClinVar:

ClinVar aggregate classification (germline): Uncertain significance (1 of 4 stars; one submission).

Conditions:
HNSHA due to aldolase A deficiency (GSD12). Also called: GLYCOGEN STORAGE DISEASE XII; GSD XII; RED CELL ALDOLASE DEFICIENCY; Glycogen storage disease due to aldolase A deficiency. Identifiers: Orphanet 57, MedGen C0272066, MONDO:0012747, OMIM 611881.

Allele frequency attached by ClinVar (database versions not stated): gnomAD 0.00001; TOPMed 0.00002; ExAC 0.00003; gnomAD exomes 0.00004.
gnomAD v4.1: 61 of 1,613,664 alleles (0.0038%); highest among the groups gnomAD compares: Non-Finnish European, 0.0047%; no homozygotes.

Submission:

Labcorp Genetics (formerly Invitae), Labcorp
Classification: Uncertain significance for HNSHA due to aldolase A deficiency. Last evaluated: 2025-08-18. Review status: criteria provided, single submitter. Criteria: Invitae Variant Classification Sherloc (09022015). Collection method: clinical testing. Allele origin: germline.
Comment: This sequence change replaces arginine, which is basic and polar, with histidine, which is basic and polar, at codon 69 of the ALDOA protein (p.Arg69His). This variant is present in population databases (rs752587498, gnomAD 0.004%). This variant has not been reported in the literature in individuals affected with ALDOA-related conditions. ClinVar contains an entry for this variant (Variation ID: 2171117). An algorithm developed to predict the effect of missense changes on protein structure and function (PolyPhen-2) suggests that this variant is likely to be tolerated. In summary, the available evidence is currently insufficient to determine the role of this variant in disease. Therefore, it has been classified as a Variant of Uncertain Significance.

NM_001243177.4(ALDOA):c.368G>A (p.Arg123His)

Genes: ALDOA (aldolase, fructose-bisphosphate A; plus strand), LOC112694756 (uncharaterized LOC112694756; plus strand). Cytogenetic location: 16p11.2.
Variant type: single nucleotide variant.
Coding change: c.368G>A on transcript NM_001243177.4 (MANE Select); coding-DNA position 368, G replaced by A.
Protein change: p.Arg123His; replaces arginine 123 with histidine.
Molecular consequence: missense variant. On other transcripts: 3 prime UTR variant (3).
Genome position (GRCh38, 1-based): chr16:30,067,543, G>A. VCF-style: chr16-30067543-G-A. GRCh37 (hg19) VCF-style: chr16-30078864-G-A.
Other names: c.206G>A, p.Arg69His (NM_184041.5, NM_184043.2, NM_001127617.2); c.*715G>A (NM_001365304.2, NM_001365305.2, NM_001365307.2); short protein forms R123H, R69H.
Identifiers: ClinVar variation 2171117 (VCV002171117.4), dbSNP rs752587498, ClinGen allele CA8000899.